The following is an entry in ClinVar:

NM_013322.3(SNX10):c.88A>G (p.Ile30Val)

Gene: SNX10 (sorting nexin 10; plus strand). Cytogenetic location: 7p15.2.
Variant type: single nucleotide variant.
Coding change: c.88A>G on transcript NM_013322.3 (MANE Select); coding-DNA position 88, A replaced by G.
Protein change: p.Ile30Val; replaces isoleucine 30 with valine.
Molecular consequence: missense variant.
Genome position (GRCh38, 1-based): chr7:26,361,038, A>G. VCF-style: chr7-26361038-A-G. GRCh37 (hg19) VCF-style: chr7-26400658-A-G.
Other names: c.88A>G, p.Ile30Val (NM_001199835.1, NM_001318199.3); c.79A>G, p.Ile27Val (NM_001199837.3); c.166A>G, p.Ile56Val (NM_001318198.1, NM_001362753.1, NM_001362754.1); short protein forms I30V, I27V, I56V.
Identifiers: ClinVar variation 1403102 (VCV001403102.7), dbSNP rs979553899, ClinGen allele CA156144145.

ClinVar aggregate classification (germline): Uncertain significance (1 of 4 stars; one submission).

Allele frequency attached by ClinVar (database versions not stated): gnomAD exomes below 0.00001.
gnomAD v4.1: 1 of 1,607,992 alleles (0.000062%); highest among the groups gnomAD compares: Non-Finnish European, 0.000085%; no homozygotes.

Submission:

Labcorp Genetics (formerly Invitae), Labcorp
Classification: Uncertain significance. Last evaluated: 2025-03-03. Review status: criteria provided, single submitter. Criteria: Invitae Variant Classification Sherloc (09022015). Collection method: clinical testing. Allele origin: germline.
Comment: This sequence change replaces isoleucine, which is neutral and non-polar, with valine, which is neutral and non-polar, at codon 30 of the SNX10 protein (p.Ile30Val). This variant is not present in population databases (gnomAD no frequency). This variant has not been reported in the literature in individuals affected with SNX10-related conditions. ClinVar contains an entry for this variant (Variation ID: 1403102). An algorithm developed to predict the effect of missense changes on protein structure and function (PolyPhen-2) suggests that this variant is likely to be tolerated. In summary, the available evidence is currently insufficient to determine the role of this variant in disease. Therefore, it has been classified as a Variant of Uncertain Significance.